The following is an entry in ClinVar:

NM_001395159.1(UNC79):c.2557G>A (p.Glu853Lys)

Gene: UNC79 (unc-79 subunit of NALCN channel complex; plus strand). Cytogenetic location: 14q32.12.
Variant type: single nucleotide variant.
Coding change: c.2557G>A on transcript NM_001395159.1 (MANE Select); coding-DNA position 2557, G replaced by A.
Protein change: p.Glu853Lys; replaces glutamic acid 853 with lysine.
Molecular consequence: missense variant.
Genome position (GRCh38, 1-based): chr14:93,580,272, G>A. VCF-style: chr14-93580272-G-A. GRCh37 (hg19) VCF-style: chr14-94046618-G-A.
Other names: c.2557G>A (NM_001346218.1); c.2557G>A, p.Glu853Lys (NM_001346218.2); c.2026G>A, p.Glu676Lys (NM_020818.5); short protein forms E853K, E676K.
Identifiers: ClinVar variation 2359534 (VCV002359534.3), dbSNP rs765545121, ClinGen allele CA7321667.

ClinVar aggregate classification (germline): Uncertain significance. Review status: criteria provided, multiple submitters, no conflicts (2 of 4 stars). 2 submissions from 2 submitters: Uncertain significance (2). Last evaluated 2025-04-11.

Conditions:
UNC79-related disorder. Also called: UNC79-related condition.
Inborn genetic diseases. Identifiers: MedGen C0950123, MeSH D030342.

Allele frequency attached by ClinVar (database versions not stated): gnomAD 0.00002; ExAC 0.00003; TOPMed 0.00008.
gnomAD v4.1: 58 of 1,614,044 alleles (0.0036%); highest among the groups gnomAD compares: Middle Eastern, 0.033%; no homozygotes.

Submissions (2):

PreventionGenetics, part of Exact Sciences
Classification: Uncertain significance for UNC79-related condition. Last evaluated: 2025-04-11. Review status: criteria provided, single submitter. Criteria: ACMG Guidelines, 2015. Collection method: clinical testing. Allele origin: germline.
Comment: The UNC79 c.2557G>A variant is predicted to result in the amino acid substitution p.Glu853Lys. To our knowledge, this variant has not been reported in the literature. This variant is reported in 0.028% of alleles in individuals of Latino descent in gnomAD. At this time, the clinical significance of this variant is uncertain due to the absence of conclusive functional and genetic evidence.

Ambry Genetics
Classification: Uncertain significance for Inborn genetic diseases. Last evaluated: 2022-06-24. Review status: criteria provided, single submitter. Criteria: Ambry Variant Classification Scheme 2023. Collection method: clinical testing. Allele origin: germline.